The following is an entry in ClinVar:

ClinVar aggregate classification (germline): Uncertain significance (1 of 4 stars; one submission).

Conditions:
Emery-Dreifuss muscular dystrophy 5, autosomal dominant (EDMD5). Also called: EMERY-DREIFUSS MUSCULAR DYSTROPHY 5. Identifiers: Orphanet 261, MedGen C2751805, MONDO:0013072, OMIM 612999.

Submission:

Labcorp Genetics (formerly Invitae), Labcorp
Classification: Uncertain significance for Emery-Dreifuss muscular dystrophy 5, autosomal dominant. Last evaluated: 2023-05-07. Review status: criteria provided, single submitter. Criteria: Invitae Variant Classification Sherloc (09022015). Collection method: clinical testing. Allele origin: germline.
Comment: In summary, the available evidence is currently insufficient to determine the role of this variant in disease. Therefore, it has been classified as a Variant of Uncertain Significance. Algorithms developed to predict the effect of missense changes on protein structure and function output the following: SIFT: "Not Available"; PolyPhen-2: "Benign"; Align-GVGD: "Not Available". The aspartic acid amino acid residue is found in multiple mammalian species, which suggests that this missense change does not adversely affect protein function. This variant has not been reported in the literature in individuals affected with SYNE2-related conditions. This variant is not present in population databases (gnomAD no frequency). This sequence change replaces asparagine, which is neutral and polar, with aspartic acid, which is acidic and polar, at codon 2970 of the SYNE2 protein (p.Asn2970Asp).

NM_182914.3(SYNE2):c.8908A>G (p.Asn2970Asp)

Gene: SYNE2 (spectrin repeat containing nuclear envelope protein 2; plus strand). Cytogenetic location: 14q23.2.
Variant type: single nucleotide variant.
Coding change: c.8908A>G on transcript NM_182914.3 (MANE Select); coding-DNA position 8908, A replaced by G.
Protein change: p.Asn2970Asp; replaces asparagine 2970 with aspartic acid.
Molecular consequence: missense variant.
Genome position (GRCh38, 1-based): chr14:64,052,821, A>G. VCF-style: chr14-64052821-A-G. GRCh37 (hg19) VCF-style: chr14-64519539-A-G.
Other names: c.8908A>G, p.Asn2970Asp (NM_015180.6); short protein forms N2970D.
Identifiers: ClinVar variation 2860707 (VCV002860707.3), dbSNP rs2548326758, ClinGen allele CA389972899.